The following is an entry in ClinVar:

ClinVar aggregate classification (germline): Pathogenic. Review status: criteria provided, multiple submitters, no conflicts (2 of 4 stars). 2 submissions from 2 submitters: Pathogenic (2). Last evaluated 2026-06-12.

Conditions:
X-linked Alport syndrome (ATS1). Also called: NEPHROPATHY AND DEAFNESS, X-LINKED; COL4A5-Related Nephropathy. Identifiers: Orphanet 63, Orphanet 88917, MedGen C4746986, MONDO:0010520, OMIM 301050.

Submissions (2):

Centre de Génétique Humaine, Institut de Pathologie Et de Génétique
Classification: Pathogenic for X-linked Alport syndrome. Last evaluated: 2026-06-12. Review status: criteria provided, single submitter. Criteria: ACMG Guidelines, 2015. Collection method: clinical testing. Allele origin: maternal, germline. Inheritance: X-linked dominant inheritance. Affected: yes. Observed: 4 variant alleles, 2 heterozygotes, 2 hemizygotes. Clinical features observed: Microscopic hematuria (HP:0002907), Severe albuminuria (HP:0033066), Sensorineural hearing loss disorder (HP:0000407), Moderate albuminuria (HP:0012594), Stage 2 chronic kidney disease (HP:0012624). Segregation with disease observed.
Comment: Nonsense variant predicted to result in protein truncation or nonsense mediated decay in a gene for which loss-of-function is a known mechanism of disease (PVS1). This variant is rare: absent in gnomAD v4.1.0 database (PM2). Described in ClinVar as pathogenic (PP5). Cosegragation in a family analysed in our lab (PP1)

Labcorp Genetics (formerly Invitae), Labcorp
Classification: Pathogenic. Last evaluated: 2022-09-21. Review status: criteria provided, single submitter. Criteria: Invitae Variant Classification Sherloc (09022015). Collection method: clinical testing. Allele origin: germline.
Comment: This variant is not present in population databases (gnomAD no frequency). For these reasons, this variant has been classified as Pathogenic. This variant disrupts a region of the COL4A5 protein in which other variant(s) (p.Arg1677*) have been determined to be pathogenic (PMID: 10094548, 12796257, 19728970, 19965530). This suggests that this is a clinically significant region of the protein, and that variants that disrupt it are likely to be disease-causing. ClinVar contains an entry for this variant (Variation ID: 1391400). This variant has not been reported in the literature in individuals affected with COL4A5-related conditions. This sequence change creates a premature translational stop signal (p.Ser1663*) in the COL4A5 gene. While this is not anticipated to result in nonsense mediated decay, it is expected to disrupt the last 23 amino acid(s) of the COL4A5 protein.

Literature cited by the submitters: PubMed 10094548 (cited by Labcorp Genetics (formerly Invitae), Labcorp); PubMed 12796257 (cited by Labcorp Genetics (formerly Invitae), Labcorp); PubMed 19728970 (cited by Labcorp Genetics (formerly Invitae), Labcorp); PubMed 19965530 (cited by Labcorp Genetics (formerly Invitae), Labcorp).

NM_033380.3(COL4A5):c.5006C>G (p.Ser1669Ter)

Gene: COL4A5 (collagen type IV alpha 5 chain; plus strand). Cytogenetic location: Xq22.3.
Variant type: single nucleotide variant.
Coding change: c.5006C>G on transcript NM_033380.3 (MANE Select); coding-DNA position 5006, C replaced by G.
Protein change: p.Ser1669Ter; replaces serine 1669 with a stop codon.
Molecular consequence: nonsense.
Genome position (GRCh38, 1-based): chrX:108,696,308, C>G. VCF-style: chrX-108696308-C-G. GRCh37 (hg19) VCF-style: chrX-107939538-C-G.
Other names: p.(Ser1669*); c.4988C>G, p.Ser1663Ter (NM_000495.5); short protein forms S1663*, S1669*.
Identifiers: ClinVar variation 1391400 (VCV001391400.9), dbSNP rs2148003651, ClinGen allele CA414133057.
Genomic context (GRCh38, chrX:108,696,308, plus strand): 5'-TGAAATACCAGAAAATGTGGATCTGATTGTCTTATTTCTTATTTCCCAGTAAACCTCAGT[C>G]AGAAACGCTGAAAGCAGGAGACTTGAGGACACGAATTAGCCGATGTCAAGTGTGCATGAA-3'